The following is an entry in ClinVar:

ClinVar aggregate classification (germline): Uncertain significance (1 of 4 stars; one submission).

Conditions:
Bethlem myopathy 1A. Also called: Bethlem myopathy 1; Bethlem Muscular Dystrophy; MYOPATHY, BENIGN CONGENITAL, WITH CONTRACTURES. Identifiers: Orphanet 610, MedGen CN029274, MONDO:0024530, OMIM 158810.

Allele frequency attached by ClinVar (database versions not stated): ExAC 0.00001; gnomAD 0.00001; 1000 Genomes Project 30x 0.00016; 1000 Genomes Project 0.00020.
gnomAD v4.1: 1 of 1,614,246 alleles (0.000062%); highest among the groups gnomAD compares: South Asian, 0.0011%; no homozygotes.

Submission:

Labcorp Genetics (formerly Invitae), Labcorp
Classification: Uncertain significance for Bethlem myopathy 1A. Last evaluated: 2023-05-08. Review status: criteria provided, single submitter. Criteria: Invitae Variant Classification Sherloc (09022015). Collection method: clinical testing. Allele origin: germline.
Comment: This variant has not been reported in the literature in individuals affected with COL6A3-related conditions. This variant is present in population databases (rs536364005, gnomAD 0.003%). This sequence change replaces aspartic acid, which is acidic and polar, with asparagine, which is neutral and polar, at codon 1758 of the COL6A3 protein (p.Asp1758Asn). ClinVar contains an entry for this variant (Variation ID: 1469840). In summary, the available evidence is currently insufficient to determine the role of this variant in disease. Therefore, it has been classified as a Variant of Uncertain Significance. Advanced modeling of protein sequence and biophysical properties (such as structural, functional, and spatial information, amino acid conservation, physicochemical variation, residue mobility, and thermodynamic stability) performed at Invitae indicates that this missense variant is not expected to disrupt COL6A3 protein function.

NM_004369.4(COL6A3):c.5272G>A (p.Asp1758Asn)

Gene: COL6A3 (collagen type VI alpha 3 chain; minus strand). Cytogenetic location: 2q37.3.
Variant type: single nucleotide variant.
Coding change: c.5272G>A on transcript NM_004369.4 (MANE Select); coding-DNA position 5272, G replaced by A.
Protein change: p.Asp1758Asn; replaces aspartic acid 1758 with asparagine.
Molecular consequence: missense variant.
Genome position (GRCh38, 1-based): chr2:237,366,915, C>T on the plus strand (G>A on the coding strand, the complement: COL6A3 is on the minus strand). VCF-style: chr2-237366915-C-T. GRCh37 (hg19) VCF-style: chr2-238275558-C-T.
Other names: c.3451G>A, p.Asp1151Asn (NM_057166.5); c.4654G>A, p.Asp1552Asn (NM_057167.4); short protein forms D1552N, D1151N, D1758N.
Identifiers: ClinVar variation 1469840 (VCV001469840.8), dbSNP rs536364005, ClinGen allele CA2188709.